The following is an entry in ClinVar:

ClinVar aggregate classification (germline): Uncertain significance (1 of 4 stars; one submission).

Conditions:
Hereditary cancer-predisposing syndrome. Also called: Neoplastic Syndromes, Hereditary; Tumor predisposition; Hereditary Cancer Syndrome; Hereditary neoplastic syndrome. Identifiers: Orphanet 140162, MedGen C0027672, MeSH D009386, MONDO:0015356.

Submission:

Ambry Genetics
Classification: Uncertain significance for Hereditary cancer-predisposing syndrome. Last evaluated: 2026-05-29. Review status: criteria provided, single submitter. Criteria: Ambry Variant Classification Scheme 2023. Collection method: clinical testing. Allele origin: germline.
Comment: The p.S1937C variant (also known as c.5810C>G), located in coding exon 10 of the BRCA2 gene, results from a C to G substitution at nucleotide position 5810. The serine at codon 1937 is replaced by cysteine, an amino acid with dissimilar properties. This amino acid position is not well conserved in available vertebrate species. In addition, this alteration is predicted to be tolerated by in silico analysis. Based on the available evidence, the clinical significance of this variant remains unclear.

NM_000059.4(BRCA2):c.5810C>G (p.Ser1937Cys)

Gene: BRCA2 (BRCA2 DNA repair associated; plus strand). Cytogenetic location: 13q13.1.
Variant type: single nucleotide variant.
Coding change: c.5810C>G on transcript NM_000059.4 (MANE Select); coding-DNA position 5810, C replaced by G.
Protein change: p.Ser1937Cys; replaces serine 1937 with cysteine.
Molecular consequence: missense variant. On other transcripts: non-coding transcript variant (1), intron variant (2).
Genome position (GRCh38, 1-based): chr13:32,340,165, C>G. VCF-style: chr13-32340165-C-G. GRCh37 (hg19) VCF-style: chr13-32914302-C-G.
Other names: c.5810C>G, p.Ser1937Cys (NM_001406719.1, NM_001406720.1, NM_001432077.1); c.1910-4393C>G (NM_001406721.1); c.425-4393C>G (NM_001406722.1); short protein forms S1937C.
Identifiers: ClinVar variation 4867877 (VCV004867877.1).